The following is an entry in ClinVar:

NM_003803.4(MYOM1):c.2744C>G (p.Ala915Gly)

Gene: MYOM1 (myomesin 1; minus strand). Cytogenetic location: 18p11.31.
Variant type: single nucleotide variant.
Coding change: c.2744C>G on transcript NM_003803.4 (MANE Select); coding-DNA position 2744, C replaced by G.
Protein change: p.Ala915Gly; replaces alanine 915 with glycine.
Molecular consequence: missense variant. On other transcripts: intron variant (1).
Genome position (GRCh38, 1-based): chr18:3,129,282, G>C on the plus strand (C>G on the coding strand, the complement: MYOM1 is on the minus strand). VCF-style: chr18-3129282-G-C. GRCh37 (hg19) VCF-style: chr18-3129280-G-C.
Other names: c.2506+2093C>G (NM_019856.2); short protein forms A915G.
Identifiers: ClinVar variation 2918782 (VCV002918782.4), dbSNP rs771870754, ClinGen allele CA8874535.

ClinVar aggregate classification (germline): Uncertain significance. Review status: criteria provided, multiple submitters, no conflicts (2 of 4 stars). 2 submissions from 2 submitters: Uncertain significance (2). Last evaluated 2025-02-09.

Conditions:
Hypertrophic cardiomyopathy. Also called: HYPERTROPHIC MYOCARDIOPATHY. Identifiers: Orphanet 217569, MedGen C0007194, MeSH D002312, MONDO:0005045, HP:0001639.

Allele frequency attached by ClinVar (database versions not stated): ExAC 0.00001.
gnomAD v4.1: 2 of 1,613,984 alleles (0.00012%); highest among the groups gnomAD compares: South Asian, 0.0022%; no homozygotes.

Submissions (2):

Ambry Genetics
Classification: Uncertain significance. Last evaluated: 2025-02-09. Review status: criteria provided, single submitter. Criteria: Ambry Variant Classification Scheme 2023. Collection method: clinical testing. Allele origin: germline.
Comment: The p.A915G variant (also known as c.2744C>G), located in coding exon 17 of the MYOM1 gene, results from a C to G substitution at nucleotide position 2744. The alanine at codon 915 is replaced by glycine, an amino acid with similar properties. This amino acid position is conserved. In addition, this alteration is predicted to be tolerated by in silico analysis. Based on the available evidence, the clinical significance of this variant remains unclear.

Labcorp Genetics (formerly Invitae), Labcorp
Classification: Uncertain significance for Hypertrophic cardiomyopathy. Last evaluated: 2022-12-15. Review status: criteria provided, single submitter. Criteria: Invitae Variant Classification Sherloc (09022015). Collection method: clinical testing. Allele origin: germline.
Comment: This variant has not been reported in the literature in individuals affected with MYOM1-related conditions. This variant is present in population databases (rs771870754, gnomAD 0.003%). This sequence change replaces alanine, which is neutral and non-polar, with glycine, which is neutral and non-polar, at codon 915 of the MYOM1 protein (p.Ala915Gly). Algorithms developed to predict the effect of missense changes on protein structure and function (SIFT, PolyPhen-2, Align-GVGD) all suggest that this variant is likely to be tolerated. In summary, the available evidence is currently insufficient to determine the role of this variant in disease. Therefore, it has been classified as a Variant of Uncertain Significance. Algorithms developed to predict the effect of sequence changes on RNA splicing suggest that this variant may disrupt the consensus splice site.